The following is an entry in ClinVar:

ClinVar aggregate classification (germline): Uncertain significance (1 of 4 stars; one submission).

Allele frequency attached by ClinVar (database versions not stated): gnomAD exomes 0.00001; ExAC 0.00003.
gnomAD v4.1: 13 of 1,579,774 alleles (0.00082%); highest among the groups gnomAD compares: Admixed American, 0.0019%; no homozygotes.

Submission:

Labcorp Genetics (formerly Invitae), Labcorp
Classification: Uncertain significance. Last evaluated: 2021-11-11. Review status: criteria provided, single submitter. Criteria: Invitae Variant Classification Sherloc (09022015). Collection method: clinical testing. Allele origin: germline.
Comment: This sequence change replaces arginine, which is basic and polar, with cysteine, which is neutral and slightly polar, at codon 118 of the ARHGEF18 protein (p.Arg118Cys). This variant is present in population databases (rs770231954, gnomAD 0.004%). This variant has not been reported in the literature in individuals affected with ARHGEF18-related conditions. Algorithms developed to predict the effect of missense changes on protein structure and function are either unavailable or do not agree on the potential impact of this missense change (SIFT: "Deleterious"; PolyPhen-2: "Possibly Damaging"; Align-GVGD: "Class C0"). In summary, the available evidence is currently insufficient to determine the role of this variant in disease. Therefore, it has been classified as a Variant of Uncertain Significance.

NM_001367823.1(ARHGEF18):c.968-52C>T

Gene: ARHGEF18 (Rho/Rac guanine nucleotide exchange factor 18; plus strand). Cytogenetic location: 19p13.2.
Variant type: single nucleotide variant.
Coding change: c.968-52C>T on transcript NM_001367823.1 (MANE Select); 52 bases into the intron before coding-DNA position 968, C replaced by T.
Molecular consequence: intron variant. On other transcripts: missense variant (1), 5 prime UTR variant (1).
Genome position (GRCh38, 1-based): chr19:7,440,292, C>T. VCF-style: chr19-7440292-C-T. GRCh37 (hg19) VCF-style: chr19-7505178-C-T.
Other names: c.190C>T, p.Arg64Cys (NM_001130955.2); c.-123C>T (NM_001367824.1); c.-71-52C>T (NM_015318.4); short protein forms R64C.
Identifiers: ClinVar variation 1512913 (VCV001512913.6), dbSNP rs770231954, ClinGen allele CA9136297.